The following is an entry in ClinVar:

ClinVar aggregate classification (germline): Uncertain significance. Review status: criteria provided, multiple submitters, no conflicts (2 of 4 stars). 2 submissions from 2 submitters: Uncertain significance (2). Last evaluated 2026-01-09.

Conditions:
ATP8B1-related disorder. Also called: ATP8B1-related disorders; ATP8B1-related condition.

Allele frequency attached by ClinVar (database versions not stated): gnomAD 0.00001; TOPMed 0.00003.
gnomAD v4.1: 2 of 1,613,296 alleles (0.00012%); highest among the groups gnomAD compares: African/African-American, 0.0013%; no homozygotes.

Submissions (2):

PreventionGenetics, part of Exact Sciences
Classification: Uncertain significance for ATP8B1-related condition. Last evaluated: 2026-01-09. Review status: criteria provided, single submitter. Criteria: ACMG Guidelines, 2015. Collection method: clinical testing. Allele origin: germline.
Comment: The ATP8B1 c.839T>C variant is predicted to result in the amino acid substitution p.Phe280Ser. To our knowledge, this variant has not been reported in the literature or in a large population database (gnomAD), indicating this variant is rare. At this time, the clinical significance of this variant is uncertain due to the absence of conclusive functional and genetic evidence.

GeneDx
Classification: Uncertain significance. Last evaluated: 2017-08-31. Review status: criteria provided, single submitter. Criteria: GeneDx Variant Classification (06012015). Collection method: clinical testing. Allele origin: germline. Affected: yes.
Comment: The F280S variant has not been published as a pathogenic variant, nor has it been reported as a benign variant to our knowledge. The F280S variant is not observed in large population cohorts (Lek et al., 2016; 1000 Genomes Consortium et al., 2015; Exome Variant Server). The F280S variant is a non-conservative amino acid substitution, which is likely to impact secondary protein structure as these residues differ in polarity, charge, size and/or other properties. This substitution occurs at a position that is not conserved. In silico analysis predicts this variant likely does not alter the protein structure/function. In summary, based on the currently available information, it is unclear whether this variant is a pathogenic variant or a rare benign variant.

NM_001374385.1(ATP8B1):c.839T>C (p.Phe280Ser)

Gene: ATP8B1 (ATPase phospholipid transporting 8B1; minus strand). Cytogenetic location: 18q21.31.
Variant type: single nucleotide variant.
Coding change: c.839T>C on transcript NM_001374385.1 (MANE Select); coding-DNA position 839, T replaced by C.
Protein change: p.Phe280Ser; replaces phenylalanine 280 with serine.
Molecular consequence: missense variant.
Genome position (GRCh38, 1-based): chr18:57,695,272, A>G on the plus strand (T>C on the coding strand, the complement: ATP8B1 is on the minus strand). VCF-style: chr18-57695272-A-G. GRCh37 (hg19) VCF-style: chr18-55362504-A-G.
Other names: c.689T>C, p.Phe230Ser (NM_001374386.1); c.839T>C, p.Phe280Ser (NM_005603.6); short protein forms F280S, F230S.
Identifiers: ClinVar variation 451383 (VCV000451383.3), dbSNP rs1555692584, ClinGen allele CA402542149.